The following is an entry in ClinVar:

NM_001346022.3(USP45):c.2190C>A (p.Tyr730Ter)

Gene: USP45 (ubiquitin specific peptidase 45; minus strand). Cytogenetic location: 6q16.2.
Variant type: single nucleotide variant.
Coding change: c.2190C>A on transcript NM_001346022.3 (MANE Select); coding-DNA position 2190, C replaced by A.
Protein change: p.Tyr730Ter; replaces tyrosine 730 with a stop codon.
Molecular consequence: nonsense. On other transcripts: non-coding transcript variant (2), intron variant (1).
Genome position (GRCh38, 1-based): chr6:99,437,370, G>T on the plus strand (C>A on the coding strand, the complement: USP45 is on the minus strand). VCF-style: chr6-99437370-G-T. GRCh37 (hg19) VCF-style: chr6-99885246-G-T.
Other names: c.2190C>A (NM_001346021.1); c.2190C>A, p.Tyr730Ter (NM_001080481.3, NM_001346021.3); c.2187C>A, p.Tyr729Ter (NM_001346023.3); c.2016C>A, p.Tyr672Ter (NM_001346024.3); c.2013C>A, p.Tyr671Ter (NM_001346025.3); c.1110C>A, p.Tyr370Ter (NM_001346027.3, NM_001346028.3, NM_001346029.3); c.2161-1524C>A (NM_001346026.3); short protein forms Y370*, Y671*, Y672*, Y729*, Y730*.
Identifiers: ClinVar variation 3249286 (VCV003249286.2).

ClinVar aggregate classification (germline): Conflicting classifications of pathogenicity. Review status: criteria provided, conflicting classifications (1 of 4 stars). 3 submissions from 3 submitters: Likely pathogenic (1); Uncertain significance (2). Last evaluated 2025-12-13.

Conditions:
USP45-related disorder. Also called: USP45-related condition.
Leber congenital amaurosis 19. Identifiers: MedGen C5193139, MONDO:0032794, OMIM 618513.
Retinal dystrophy. Also called: Inherited retinal dystrophy. Identifiers: Orphanet 71862, MedGen C0854723, MeSH D058499, MONDO:0019118, HP:0000556.

gnomAD v4.1: 2,570 of 1,604,240 alleles (0.16%); highest among the groups gnomAD compares: Non-Finnish European, 0.19%; 4 homozygotes.

Submissions (3):

PreventionGenetics, part of Exact Sciences
Classification: Uncertain significance for USP45-related condition. Last evaluated: 2025-12-13. Review status: criteria provided, single submitter. Criteria: ACMG Guidelines, 2015. Collection method: clinical testing. Allele origin: germline.
Comment: The USP45 c.2190C>A variant is predicted to result in premature protein termination (p.Tyr730*). This variant was reported in an individual with cardiovascular disease trait (Table S1, Glicksberg et al. 2019. PubMed ID: 31345219). This variant is reported in 0.17% of alleles in individuals of European (Non-Finnish) descent in gnomAD. At this time, the clinical significance of this variant is uncertain due to the absence of conclusive functional and genetic evidence.

First Genomix Gene Laboratory, Genetic Diagnostics Department
Classification: Likely pathogenic for Leber congenital amaurosis 19. Last evaluated: 2025-08-26. Review status: criteria provided, single submitter. Criteria: ACMG Guidelines, 2015. Collection method: clinical testing. Allele origin: germline. Inheritance: Autosomal recessive inheritance. Affected: no. Observed: 1 variant allele.

Institute of Human Genetics, Univ. Regensburg, Univ. Regensburg
Classification: Uncertain significance for Retinal dystrophy. Last evaluated: 2022-01-01. Review status: criteria provided, single submitter. Criteria: ACMG Guidelines, 2015. Collection method: clinical testing. Allele origin: germline. Affected: yes.

Literature cited by the submitters: PubMed 31345219 (cited by Institute of Human Genetics, Univ. Regensburg, Univ. Regensburg).